The following is an entry in ClinVar:

NM_004174.4(SLC9A3):c.1183C>T (p.Arg395Cys)

Gene: SLC9A3 (solute carrier family 9 member A3). Cytogenetic location: 5p15.33.
Variant type: single nucleotide variant.
Coding change: c.1183C>T on transcript NM_004174.4 (MANE Select); coding-DNA position 1183, C replaced by T.
Protein change: p.Arg395Cys; replaces arginine 395 with cysteine.
Molecular consequence: missense variant.
Genome position (GRCh38, 1-based): chr5:482,721, G>A on the plus strand (C>T on the coding strand, the complement: SLC9A3 is on the minus strand). VCF-style: chr5-482721-G-A. GRCh37 (hg19) VCF-style: chr5-482836-G-A.
Other names: c.1183C>T, p.Arg395Cys (NM_001284351.3); short protein forms R395C.
Identifiers: ClinVar variation 1347332 (VCV001347332.5), dbSNP rs200516387, ClinGen allele CA3176041.

ClinVar aggregate classification (germline): Uncertain significance (1 of 4 stars; one submission).

Allele frequency attached by ClinVar (database versions not stated): gnomAD exomes 0.00001.
gnomAD v4.1: 12 of 1,609,840 alleles (0.00075%); highest among the groups gnomAD compares: Non-Finnish European, 0.00085%; no homozygotes.

Submission:

Labcorp Genetics (formerly Invitae), Labcorp
Classification: Uncertain significance. Last evaluated: 2022-09-12. Review status: criteria provided, single submitter. Criteria: Invitae Variant Classification Sherloc (09022015). Collection method: clinical testing. Allele origin: germline.
Comment: This sequence change replaces arginine, which is basic and polar, with cysteine, which is neutral and slightly polar, at codon 395 of the SLC9A3 protein (p.Arg395Cys). This variant is present in population databases (rs200516387, gnomAD 0.003%). This variant has not been reported in the literature in individuals affected with SLC9A3-related conditions. ClinVar contains an entry for this variant (Variation ID: 1347332). Advanced modeling of protein sequence and biophysical properties (such as structural, functional, and spatial information, amino acid conservation, physicochemical variation, residue mobility, and thermodynamic stability) has been performed at Invitae for this missense variant, however the output from this modeling did not meet the statistical confidence thresholds required to predict the impact of this variant on SLC9A3 protein function. In summary, the available evidence is currently insufficient to determine the role of this variant in disease. Therefore, it has been classified as a Variant of Uncertain Significance.